The following is an entry in ClinVar:

NM_007294.4(BRCA1):c.3329A>T (p.Lys1110Met)

Genes: BRCA1 (BRCA1 DNA repair associated; minus strand), LOC126862571 (BRD4-independent group 4 enhancer GRCh37_chr17:41243136-41244335; plus strand). Cytogenetic location: 17q21.31.
Variant type: single nucleotide variant.
Coding change: c.3329A>T on transcript NM_007294.4 (MANE Select); coding-DNA position 3329, A replaced by T.
Protein change: p.Lys1110Met; replaces lysine 1110 with methionine.
Molecular consequence: missense variant. On other transcripts: intron variant (137).
Genome position (GRCh38, 1-based): chr17:43,092,202, T>A on the plus strand (A>T on the coding strand, the complement: BRCA1 is on the minus strand). VCF-style: chr17-43092202-T-A. GRCh37 (hg19) VCF-style: chr17-41244219-T-A.
Other names: c.3188A>T, p.Lys1063Met (NM_001407736.1, NM_001407737.1, NM_001407738.1 and 29 more transcripts); c.3185A>T, p.Lys1062Met (NM_001407740.1, NM_001407741.1, NM_001407742.1 and 20 more transcripts); c.578-1170A>T (NM_001408480.1, NM_001408492.1, NM_001408513.1 and 9 more transcripts); c.779-1170A>T (NM_001408408.1); c.662-1170A>T (NM_001408446.1, NM_001408435.1, NM_001408448.1 and 6 more transcripts); c.785-1170A>T (NM_001408401.1, NM_001408396.1, NM_001407985.1 and 13 more transcripts); c.548-1170A>T (NM_001408494.1); c.665-1170A>T (NM_001408444.1, NM_001408438.1, NM_001408430.1 and 12 more transcripts); and 41 more; short protein forms K1021M, K1022M, K1039M, K1040M, K1042M, K1043M, K1062M, K1063M.
Identifiers: ClinVar variation 3905683 (VCV003905683.10).

ClinVar aggregate classification (germline): Uncertain significance (1 of 4 stars; one submission).

Submission:

CeGaT Center for Human Genetics Tuebingen
Classification: Uncertain significance. Last evaluated: 2025-05-01. Review status: criteria provided, single submitter. Criteria: CeGaT Center For Human Genetics Tuebingen Variant Classification Criteria Version 2. Collection method: clinical testing. Allele origin: germline. Affected: yes. Observed: 1 variant allele.
Comment: BRCA1: PM2